The following is an entry in ClinVar:

ClinVar aggregate classification (germline): Likely benign. Review status: criteria provided, multiple submitters, no conflicts (2 of 4 stars). 2 submissions from 2 submitters: Likely benign (2). Last evaluated 2026-09-01.

Allele frequency attached by ClinVar (database versions not stated): 1000 Genomes Project 30x 0.00016; TOPMed 0.00115; gnomAD exomes 0.00126 and 0.00148; ESP Exome Variant Server 0.00146; gnomAD 0.00150; ExAC 0.00159.

Submissions (2):

CeGaT Center for Human Genetics Tuebingen
Classification: Likely benign. Last evaluated: 2026-09-01. Review status: criteria provided, single submitter. Criteria: CeGaT Center For Human Genetics Tuebingen Variant Classification Criteria Version 2. Collection method: clinical testing. Allele origin: germline. Affected: yes. Observed: 2 variant alleles.
Comment: GUCY2C: BP4, BS1

Labcorp Genetics (formerly Invitae), Labcorp
Classification: Likely benign. Last evaluated: 2026-02-03. Review status: criteria provided, single submitter. Criteria: Invitae Variant Classification Sherloc (09022015). Collection method: clinical testing. Allele origin: germline.

NM_004963.4(GUCY2C):c.2350C>A (p.Gln784Lys)

Gene: GUCY2C (guanylate cyclase 2C; minus strand). Cytogenetic location: 12p12.3.
Variant type: single nucleotide variant.
Coding change: c.2350C>A on transcript NM_004963.4 (MANE Select); coding-DNA position 2350, C replaced by A.
Protein change: p.Gln784Lys; replaces glutamine 784 with lysine.
Molecular consequence: missense variant.
Genome position (GRCh38, 1-based): chr12:14,625,815, G>T on the plus strand (C>A on the coding strand, the complement: GUCY2C is on the minus strand). VCF-style: chr12-14625815-G-T. GRCh37 (hg19) VCF-style: chr12-14778749-G-T.
Other names: short protein forms Q784K.
Identifiers: ClinVar variation 738987 (VCV000738987.23), dbSNP rs140135995, ClinGen allele CA6463094.